The following is an entry in ClinVar:

ClinVar aggregate classification (germline): Uncertain significance. Review status: criteria provided, multiple submitters, no conflicts (2 of 4 stars). 4 submissions from 4 submitters: Uncertain significance (4). Last evaluated 2025-09-16.

Conditions:
Inborn genetic diseases. Identifiers: MedGen C0950123, MeSH D030342.
Ulnar-mammary syndrome (UMS). Also called: PALLISTER ULNAR-MAMMARY SYNDROME; SCHINZEL SYNDROME; Ulnar-mammary syndrome of Pallister. Identifiers: Orphanet 3138, MedGen C1866994, MONDO:0008411, OMIM 181450.
TBX3-related disorder. Also called: TBX3-related condition.

Allele frequency attached by ClinVar (database versions not stated): gnomAD 0.00001; TOPMed 0.00002; gnomAD exomes 0.00005; ExAC 0.00031.
gnomAD v4.1: 69 of 1,579,462 alleles (0.0044%); highest among the groups gnomAD compares: South Asian, 0.038%; no homozygotes.

Submissions (4):

PreventionGenetics, part of Exact Sciences
Classification: Uncertain significance for TBX3-related condition. Last evaluated: 2025-09-16. Review status: criteria provided, single submitter. Criteria: ACMG Guidelines, 2015. Collection method: clinical testing. Allele origin: germline.
Comment: The TBX3 c.2174A>G variant is predicted to result in the amino acid substitution p.Gln725Arg. To our knowledge, this variant has not been reported in the literature. This variant is reported in 0.036% of alleles in individuals of South Asian descent in gnomAD. At this time, the clinical significance of this variant is uncertain due to the absence of conclusive functional and genetic evidence.

Labcorp Genetics (formerly Invitae), Labcorp
Classification: Uncertain significance for Ulnar-mammary syndrome. Last evaluated: 2025-01-23. Review status: criteria provided, single submitter. Criteria: Invitae Variant Classification Sherloc (09022015). Collection method: clinical testing. Allele origin: germline.
Comment: This sequence change replaces glutamine, which is neutral and polar, with arginine, which is basic and polar, at codon 705 of the TBX3 protein (p.Gln705Arg). This variant is present in population databases (rs771934403, gnomAD 0.04%), and has an allele count higher than expected for a pathogenic variant. This variant has not been reported in the literature in individuals affected with TBX3-related conditions. ClinVar contains an entry for this variant (Variation ID: 2808258). An algorithm developed to predict the effect of missense changes on protein structure and function (PolyPhen-2) suggests that this variant is likely to be disruptive. In summary, the available evidence is currently insufficient to determine the role of this variant in disease. Therefore, it has been classified as a Variant of Uncertain Significance.

Ambry Genetics
Classification: Uncertain significance for Inborn genetic diseases. Last evaluated: 2024-04-04. Review status: criteria provided, single submitter. Criteria: Ambry Variant Classification Scheme 2023. Collection method: clinical testing. Allele origin: germline.

GeneDx
Classification: Uncertain significance. Last evaluated: 2023-08-28. Review status: criteria provided, single submitter. Criteria: GeneDx Variant Classification Process June 2021. Collection method: clinical testing. Allele origin: germline. Affected: yes.
Comment: Has not been previously published as pathogenic or benign to our knowledge; In silico analysis supports that this missense variant has a deleterious effect on protein structure/function

NM_005996.4(TBX3):c.2114A>G (p.Gln705Arg)

Gene: TBX3 (T-box transcription factor 3; minus strand). Cytogenetic location: 12q24.21.
Variant type: single nucleotide variant.
Coding change: c.2114A>G on transcript NM_005996.4 (MANE Select); coding-DNA position 2114, A replaced by G.
Protein change: p.Gln705Arg; replaces glutamine 705 with arginine.
Molecular consequence: missense variant.
Genome position (GRCh38, 1-based): chr12:114,671,899, T>C on the plus strand (A>G on the coding strand, the complement: TBX3 is on the minus strand). VCF-style: chr12-114671899-T-C. GRCh37 (hg19) VCF-style: chr12-115109704-T-C.
Other names: c.2174A>G, p.Gln725Arg (NM_016569.4); c.2114A>G (NM_005996.3); c.2174A>G (NM_016569.3); short protein forms Q725R, Q705R.
Identifiers: ClinVar variation 2808258 (VCV002808258.6), dbSNP rs771934403, ClinGen allele CA6809778.